The following is an entry in ClinVar:

ClinVar aggregate classification (germline): Pathogenic/Likely pathogenic. Review status: criteria provided, multiple submitters, no conflicts (2 of 4 stars). 2 submissions from 2 submitters: Pathogenic (1); Likely pathogenic (1). Last evaluated 2025-09-16.

Conditions:
Hereditary acrodermatitis enteropathica (AEZ). Also called: Acrodermatitis enteropathica. Identifiers: Orphanet 37, MedGen C0221036, MONDO:0008713, OMIM 201100.

Allele frequency attached by ClinVar (database versions not stated): gnomAD exomes below 0.00001; ExAC 0.00001.

Submissions (2):

Natera, Inc.
Classification: Likely pathogenic for Acrodermatitis enteropathica. Last evaluated: 2025-09-16. Review status: criteria provided, single submitter. Criteria: Natera Variant Classification Schema (03/2026). Collection method: clinical testing. Allele origin: germline.
Comment: The c.1763G>A variant in SLC39A4 is a nonsense variant predicted to introduce a stop codon at amino acid 588. This variant is expected to result in nonsense mediated decay, truncation, or a dysfunctional protein product. This variant is rare in the general population with a frequency below the threshold expected for the associated phenotype(s). Given the available evidence, this variant is classified as Likely Pathogenic.

Labcorp Genetics (formerly Invitae), Labcorp
Classification: Pathogenic. Last evaluated: 2021-12-21. Review status: criteria provided, single submitter. Criteria: Invitae Variant Classification Sherloc (09022015). Collection method: clinical testing. Allele origin: germline.
Comment: For these reasons, this variant has been classified as Pathogenic. This variant has not been reported in the literature in individuals affected with SLC39A4-related conditions. This variant is present in population databases (rs782044928, gnomAD 0.0009%). This sequence change creates a premature translational stop signal (p.Trp588*) in the SLC39A4 gene. It is expected to result in an absent or disrupted protein product. Loss-of-function variants in SLC39A4 are known to be pathogenic (PMID: 12955721).

Literature cited by the submitters: PubMed 12955721 (cited by Labcorp Genetics (formerly Invitae), Labcorp).

NM_130849.4(SLC39A4):c.1763G>A (p.Trp588Ter)

Gene: SLC39A4 (solute carrier family 39 member 4; minus strand). Cytogenetic location: 8q24.3.
Variant type: single nucleotide variant.
Coding change: c.1763G>A on transcript NM_130849.4 (MANE Select); coding-DNA position 1763, G replaced by A.
Protein change: p.Trp588Ter; replaces tryptophan 588 with a stop codon.
Molecular consequence: nonsense.
Genome position (GRCh38, 1-based): chr8:144,412,811, C>T on the plus strand (G>A on the coding strand, the complement: SLC39A4 is on the minus strand). VCF-style: chr8-144412811-C-T. GRCh37 (hg19) VCF-style: chr8-145638195-C-T.
Other names: c.269G>A, p.Trp90Ter (NM_001280557.2); c.1481G>A, p.Trp494Ter (NM_001374839.1); c.1688G>A, p.Trp563Ter (NM_017767.3); c.1763G>A (NM_130849.3); short protein forms W563*, W494*, W588*, W90*.
Identifiers: ClinVar variation 1457500 (VCV001457500.7), dbSNP rs782044928, ClinGen allele CA4941082.